The following is an entry in ClinVar:

ClinVar aggregate classification (germline): Uncertain significance (1 of 4 stars; one submission).

Allele frequency attached by ClinVar (database versions not stated): gnomAD exomes 0.00001 and 0.00002; TOPMed 0.00002; ExAC 0.00005.
gnomAD v4.1: 8 of 1,555,520 alleles (0.00051%); highest among the groups gnomAD compares: Admixed American, 0.0039%; no homozygotes.

Submission:

Labcorp Genetics (formerly Invitae), Labcorp
Classification: Uncertain significance. Last evaluated: 2024-01-08. Review status: criteria provided, single submitter. Criteria: Invitae Variant Classification Sherloc (09022015). Collection method: clinical testing. Allele origin: germline.
Comment: This sequence change replaces leucine, which is neutral and non-polar, with phenylalanine, which is neutral and non-polar, at codon 1382 of the HSPG2 protein (p.Leu1382Phe). This variant is present in population databases (rs769680456, gnomAD 0.008%). This variant has not been reported in the literature in individuals affected with HSPG2-related conditions. ClinVar contains an entry for this variant (Variation ID: 1438855). An algorithm developed to predict the effect of missense changes on protein structure and function (PolyPhen-2) suggests that this variant is likely to be disruptive. In summary, the available evidence is currently insufficient to determine the role of this variant in disease. Therefore, it has been classified as a Variant of Uncertain Significance.

NM_005529.7(HSPG2):c.4144C>T (p.Leu1382Phe)

Gene: HSPG2 (heparan sulfate proteoglycan 2; minus strand). Cytogenetic location: 1p36.12.
Variant type: single nucleotide variant.
Coding change: c.4144C>T on transcript NM_005529.7 (MANE Select); coding-DNA position 4144, C replaced by T.
Protein change: p.Leu1382Phe; replaces leucine 1382 with phenylalanine.
Molecular consequence: missense variant.
Genome position (GRCh38, 1-based): chr1:21,872,263, G>A on the plus strand (C>T on the coding strand, the complement: HSPG2 is on the minus strand). VCF-style: chr1-21872263-G-A. GRCh37 (hg19) VCF-style: chr1-22198756-G-A.
Other names: c.4147C>T, p.Leu1383Phe (NM_001291860.2); short protein forms L1382F, L1383F.
Identifiers: ClinVar variation 1438855 (VCV001438855.4), dbSNP rs769680456, ClinGen allele CA672361.